The following is an entry in ClinVar:

NM_001077653.2(TBX20):c.1083C>A (p.His361Gln)

Gene: TBX20 (T-box transcription factor 20; minus strand). Cytogenetic location: 7p14.2.
Variant type: single nucleotide variant.
Coding change: c.1083C>A on transcript NM_001077653.2 (MANE Select); coding-DNA position 1083, C replaced by A.
Protein change: p.His361Gln; replaces histidine 361 with glutamine.
Molecular consequence: missense variant.
Genome position (GRCh38, 1-based): chr7:35,202,691, G>T on the plus strand (C>A on the coding strand, the complement: TBX20 is on the minus strand). VCF-style: chr7-35202691-G-T. GRCh37 (hg19) VCF-style: chr7-35242303-G-T.
Other names: short protein forms H361Q.
Identifiers: ClinVar variation 2904677 (VCV002904677.4), dbSNP rs2128709458, ClinGen allele CA367263244.

ClinVar aggregate classification (germline): Uncertain significance. Review status: criteria provided, multiple submitters, no conflicts (2 of 4 stars). 2 submissions from 2 submitters: Uncertain significance (2). Last evaluated 2024-06-09.

Conditions:
Cardiovascular phenotype. Identifiers: MedGen CN230736.

Allele frequency attached by ClinVar (database versions not stated): gnomAD exomes below 0.00001.
gnomAD v4.1: 3 of 1,609,228 alleles (0.00019%); highest among the groups gnomAD compares: Non-Finnish European, 0.00025%; no homozygotes.

Submissions (2):

Ambry Genetics
Classification: Uncertain significance for Cardiovascular phenotype. Last evaluated: 2024-06-09. Review status: criteria provided, single submitter. Criteria: Ambry Variant Classification Scheme 2023. Collection method: clinical testing. Allele origin: germline.
Comment: The p.H361Q variant (also known as c.1083C>A), located in coding exon 8 of the TBX20 gene, results from a C to A substitution at nucleotide position 1083. The histidine at codon 361 is replaced by glutamine, an amino acid with highly similar properties. This amino acid position is conserved. In addition, the in silico prediction for this alteration is inconclusive. Based on the available evidence, the clinical significance of this variant remains unclear.

Labcorp Genetics (formerly Invitae), Labcorp
Classification: Uncertain significance. Last evaluated: 2024-01-03. Review status: criteria provided, single submitter. Criteria: Invitae Variant Classification Sherloc (09022015). Collection method: clinical testing. Allele origin: germline.
Comment: This sequence change replaces histidine, which is basic and polar, with glutamine, which is neutral and polar, at codon 361 of the TBX20 protein (p.His361Gln). This variant is not present in population databases (gnomAD no frequency). This variant has not been reported in the literature in individuals affected with TBX20-related conditions. Advanced modeling of protein sequence and biophysical properties (such as structural, functional, and spatial information, amino acid conservation, physicochemical variation, residue mobility, and thermodynamic stability) performed at Invitae indicates that this missense variant is not expected to disrupt TBX20 protein function with a negative predictive value of 80%. In summary, the available evidence is currently insufficient to determine the role of this variant in disease. Therefore, it has been classified as a Variant of Uncertain Significance.